The following is an entry in ClinVar:

ClinVar aggregate classification (germline): Uncertain significance (1 of 4 stars; one submission).

Conditions:
Fanconi-Bickel syndrome (FBS). Also called: PSEUDO-PHLORIZIN DIABETES; Glycogen storage disease due to GLUT2 deficiency; FANCONI SYNDROME WITH INTESTINAL MALABSORPTION AND GALACTOSE INTOLERANCE; HEPATIC GLYCOGENOSIS WITH AMINO ACIDURIA AND GLUCOSURIA; HEPATIC GLYCOGENOSIS WITH FANCONI NEPHROPATHY; HEPATORENAL GLYCOGENOSIS WITH RENAL FANCONI SYNDROME. Identifiers: Orphanet 2088, MedGen C3495427, MONDO:0009216, OMIM 227810.

Submission:

Labcorp Genetics (formerly Invitae), Labcorp
Classification: Uncertain significance for Fanconi-Bickel syndrome. Last evaluated: 2021-10-09. Review status: criteria provided, single submitter. Criteria: Invitae Variant Classification Sherloc (09022015). Collection method: clinical testing. Allele origin: germline.
Comment: Advanced modeling of protein sequence and biophysical properties (such as structural, functional, and spatial information, amino acid conservation, physicochemical variation, residue mobility, and thermodynamic stability) performed at Invitae indicates that this missense variant is expected to disrupt SLC2A2 protein function. In summary, the available evidence is currently insufficient to determine the role of this variant in disease. Therefore, it has been classified as a Variant of Uncertain Significance. This variant has not been reported in the literature in individuals affected with SLC2A2-related conditions. This variant is not present in population databases (ExAC no frequency). This sequence change replaces isoleucine with methionine at codon 38 of the SLC2A2 protein (p.Ile38Met). The isoleucine residue is highly conserved and there is a small physicochemical difference between isoleucine and methionine.

NM_000340.2(SLC2A2):c.114A>G (p.Ile38Met)

Gene: SLC2A2 (solute carrier family 2 member 2; minus strand). Cytogenetic location: 3q26.2.
Variant type: single nucleotide variant.
Coding change: c.114A>G on transcript NM_000340.2 (MANE Select); coding-DNA position 114, A replaced by G.
Protein change: p.Ile38Met; replaces isoleucine 38 with methionine.
Molecular consequence: missense variant. On other transcripts: 5 prime UTR variant (1), intron variant (1).
Genome position (GRCh38, 1-based): chr3:171,014,726, T>C on the plus strand (A>G on the coding strand, the complement: SLC2A2 is on the minus strand). VCF-style: chr3-171014726-T-C. GRCh37 (hg19) VCF-style: chr3-170732515-T-C.
Other names: c.-281A>G (NM_001278659.2); c.14+3805A>G (NM_001278658.2); short protein forms I38M.
Identifiers: ClinVar variation 1388982 (VCV001388982.6), dbSNP rs2108257085, ClinGen allele CA355494019.